The following is an entry in ClinVar:

ClinVar aggregate classification (germline): Pathogenic (1 of 4 stars; one submission).

Conditions:
Early-infantile DEE. Also called: Early infantile epileptic encephalopathy; Ohtahara syndrome; Early infantile epileptic encephalopathy with suppression bursts. Identifiers: Orphanet 1934, MedGen C0393706, MONDO:0800491.

Submission:

Labcorp Genetics (formerly Invitae), Labcorp
Classification: Pathogenic for Early-infantile DEE. Last evaluated: 2024-03-17. Review status: criteria provided, single submitter. Criteria: Invitae Variant Classification Sherloc (09022015). Collection method: clinical testing. Allele origin: germline.
Comment: This sequence change creates a premature translational stop signal (p.Gly656Alafs*27) in the SCN8A gene. It is expected to result in an absent or disrupted protein product. Loss-of-function variants in SCN8A are known to be pathogenic (PMID: 19254928, 32651551). This variant is not present in population databases (gnomAD no frequency). This variant has not been reported in the literature in individuals affected with SCN8A-related conditions. For these reasons, this variant has been classified as Pathogenic.

Literature cited by the submitters: PubMed 19254928; PubMed 32651551.

NM_001330260.2(SCN8A):c.1967del (p.Gly656fs)

Gene: SCN8A (sodium voltage-gated channel alpha subunit 8; plus strand). Cytogenetic location: 12q13.13.
Variant type: Deletion.
Coding change: c.1967del on transcript NM_001330260.2 (MANE Select); coding-DNA position 1967, one base deleted (G; older notation c.1967delG).
Protein change: p.Gly656fs; shifts the reading frame from glycine 656.
Molecular consequence: frameshift variant.
Genome position (GRCh38, 1-based): chr12:51,721,877, G deleted; the last of 2 consecutive G bases (chr12:51,721,876-51,721,877); deleting either gives the same sequence. VCF-style (leftmost placement, unchanged base first): chr12-51721875-CG-C. GRCh37 (hg19) VCF-style: chr12-52115659-CG-C.
Other names: c.1967del, p.Gly656fs (NM_001177984.3, NM_001369788.1, NM_014191.4); short protein forms G656fs.
Identifiers: ClinVar variation 3639255 (VCV003639255.2).